The following is an entry in ClinVar:

NM_206933.4(USH2A):c.5094del (p.Glu1698fs)

Genes: USH2A (usherin; minus strand), USH2A-AS2 (USH2A antisense RNA 2; plus strand). Cytogenetic location: 1q41.
Variant type: Deletion.
Coding change: c.5094del on transcript NM_206933.4 (MANE Select); coding-DNA position 5094, one base deleted (A; older notation c.5094delA).
Protein change: p.Glu1698fs; shifts the reading frame from glutamic acid 1698.
Molecular consequence: frameshift variant.
Genome position (GRCh38, 1-based): chr1:216,084,771, T deleted on the plus strand (A on the coding strand, the reverse complement: USH2A is on the minus strand); the first of 2 consecutive T bases (chr1:216,084,771-216,084,772); deleting either gives the same sequence. VCF-style (leftmost placement, unchanged base first): chr1-216084770-GT-G. GRCh37 (hg19) VCF-style: chr1-216258112-GT-G.
Other names: short protein forms E1698fs.
Identifiers: ClinVar variation 4817126 (VCV004817126.1).

ClinVar aggregate classification (germline): Likely pathogenic (1 of 4 stars; one submission).

Conditions:
Usher syndrome type 2A. Also called: RETINAL DISEASE IN USHER SYNDROME TYPE IIA, MODIFIER OF; USHER SYNDROME, TYPE IIA. Identifiers: Orphanet 231178, Orphanet 886, MedGen C1848634, MONDO:0010169, OMIM 276901.

Submission:

Natera, Inc.
Classification: Likely pathogenic for Usher syndrome type 2A. Last evaluated: 2024-03-04. Review status: criteria provided, single submitter. Criteria: Natera Variant Classification Schema (03/2026). Collection method: clinical testing. Allele origin: germline.
Comment: The c.5094delA variant in USH2A is a frameshift variant predicted to shift the reading frame beginning at codon 1698 and leads to a stop codon 16 codons downstream. This variant is expected to result in nonsense mediated decay, truncation, or a dysfunctional protein product. This variant is rare in the general population with a frequency below the threshold expected for the associated phenotype(s). Given the available evidence, this variant is classified as Likely Pathogenic.